The following is an entry in ClinVar:

NM_199420.4(POLQ):c.3368C>T (p.Ser1123Leu)

Gene: POLQ (DNA polymerase theta; minus strand). Cytogenetic location: 3q13.33.
Variant type: single nucleotide variant.
Coding change: c.3368C>T on transcript NM_199420.4 (MANE Select); coding-DNA position 3368, C replaced by T.
Protein change: p.Ser1123Leu; replaces serine 1123 with leucine.
Molecular consequence: missense variant.
Genome position (GRCh38, 1-based): chr3:121,489,563, G>A on the plus strand (C>T on the coding strand, the complement: POLQ is on the minus strand). VCF-style: chr3-121489563-G-A. GRCh37 (hg19) VCF-style: chr3-121208410-G-A.
Other names: short protein forms S1123L.
Identifiers: ClinVar variation 1730676 (VCV001730676.2), dbSNP rs781408585, ClinGen allele CA2563067.
Genomic context (GRCh38, chr3:121,489,563, plus strand): 5'-CTCTGAGATCCTGTGACAATATGCTCCACAAAATTATCATTAGTTAGTGTTATGTTCCAT[G>A]AACAATTTTGCTTTATTTGTAATGGGAATGATGTTTTATTATCTTTTTCCTTACCACTCA-3'
Protein context (NP_955452.3, residues 1113-1133): SFPLQIKQNC[Ser1123Leu]WNITLTNDNF

ClinVar aggregate classification (germline): Uncertain significance (1 of 4 stars; one submission).

Allele frequency attached by ClinVar (database versions not stated): TOPMed below 0.00001; ExAC 0.00001.
gnomAD v4.1: 1 of 1,612,578 alleles (0.000062%); highest among the groups gnomAD compares: East Asian, 0.0022%; no homozygotes.

Submission:

Ambry Genetics
Classification: Uncertain significance. Last evaluated: 2022-05-25. Review status: criteria provided, single submitter. Criteria: Ambry Variant Classification Scheme 2023. Collection method: clinical testing. Allele origin: germline.
Comment: The p.S1123L variant (also known as c.3368C>T), located in coding exon 16 of the POLQ gene, results from a C to T substitution at nucleotide position 3368. The serine at codon 1123 is replaced by leucine, an amino acid with dissimilar properties. This amino acid position is conserved. In addition, this alteration is predicted to be tolerated by in silico analysis. Since supporting evidence is limited at this time, the clinical significance of this alteration remains unclear.